The following is an entry in ClinVar:

NM_000329.3(RPE65):c.411C>A (p.Tyr137Ter)

Gene: RPE65 (retinoid isomerohydrolase RPE65; minus strand). Cytogenetic location: 1p31.3.
Variant type: single nucleotide variant.
Coding change: c.411C>A on transcript NM_000329.3 (MANE Select); coding-DNA position 411, C replaced by A.
Protein change: p.Tyr137Ter; replaces tyrosine 137 with a stop codon.
Molecular consequence: nonsense.
Genome position (GRCh38, 1-based): chr1:68,444,615, G>T on the plus strand (C>A on the coding strand, the complement: RPE65 is on the minus strand). VCF-style: chr1-68444615-G-T. GRCh37 (hg19) VCF-style: chr1-68910298-G-T.
Other names: c.303C>A, p.Tyr101Ter (NM_001406853.1); c.135C>A, p.Tyr45Ter (NM_001406856.1, NM_001406857.1); c.411C>A, p.Tyr137Ter (NM_001406859.1, NM_001406860.1); short protein forms Y137*, Y101*, Y45*.
Identifiers: ClinVar variation 2036196 (VCV002036196.5), dbSNP rs1422501788, ClinGen allele CA340747879.
Genomic context (GRCh38, chr1:68,444,615, plus strand): 5'-TGGATTAATCTTTGTAATAAAGTTGGTCTCTGTGCAAGCGTAGTAATCTTCCCCCACTGG[G>T]TAGACATTAACAAGGGCATTGTCAGTAACCTCTACTCCTCGAAAGTAAGAAAAAAACCTG-3'

ClinVar aggregate classification (germline): Pathogenic/Likely pathogenic. Review status: criteria provided, multiple submitters, no conflicts (2 of 4 stars). 2 submissions from 2 submitters: Pathogenic (1); Likely pathogenic (1). Last evaluated 2023-04-04.

Conditions:
Leber congenital amaurosis 2 (LCA2). Also called: AMAUROSIS CONGENITA OF LEBER II; Autosomal Recessive RPE65-Related Retinal Degeneration. Identifiers: Orphanet 65, MedGen C1859844, MONDO:0008765, OMIM 204100. Disease mechanism: loss of function.
Retinitis pigmentosa 20 (RP20). Identifiers: Orphanet 791, MedGen C3151086, MONDO:0013425, OMIM 613794.

Submissions (2):

Baylor Genetics
Classification: Likely pathogenic for Leber congenital amaurosis 2. Last evaluated: 2023-04-04. Review status: criteria provided, single submitter. Criteria: ACMG Guidelines, 2015. Collection method: clinical testing. Allele origin: unknown.

Labcorp Genetics (formerly Invitae), Labcorp
Classification: Pathogenic for Leber congenital amaurosis 2; Retinitis pigmentosa 20. Last evaluated: 2022-10-19. Review status: criteria provided, single submitter. Criteria: Invitae Variant Classification Sherloc (09022015). Collection method: clinical testing. Allele origin: germline.
Comment: For these reasons, this variant has been classified as Pathogenic. Algorithms developed to predict the effect of sequence changes on RNA splicing suggest that this variant may disrupt the consensus splice site. This variant has not been reported in the literature in individuals affected with RPE65-related conditions. This variant is not present in population databases (gnomAD no frequency). This sequence change creates a premature translational stop signal (p.Tyr137*) in the RPE65 gene. It is expected to result in an absent or disrupted protein product. Loss-of-function variants in RPE65 are known to be pathogenic (PMID: 9326941, 9501220, 9843205, 18632300).

Literature cited by the submitters: PubMed 9326941 (cited by Labcorp Genetics (formerly Invitae), Labcorp); PubMed 9501220 (cited by Labcorp Genetics (formerly Invitae), Labcorp); PubMed 9843205 (cited by Labcorp Genetics (formerly Invitae), Labcorp); PubMed 18632300 (cited by Labcorp Genetics (formerly Invitae), Labcorp).